The following is an entry in ClinVar:

NM_002232.5(KCNA3):c.1378G>A (p.Val460Met)

Gene: KCNA3 (potassium voltage-gated channel subfamily A member 3; minus strand). Cytogenetic location: 1p13.3.
Variant type: single nucleotide variant.
Coding change: c.1378G>A on transcript NM_002232.5 (MANE Select); coding-DNA position 1378, G replaced by A.
Protein change: p.Val460Met; replaces valine 460 with methionine.
Molecular consequence: missense variant. On other transcripts: non-coding transcript variant (1).
Genome position (GRCh38, 1-based): chr1:110,673,432, C>T on the plus strand (G>A on the coding strand, the complement: KCNA3 is on the minus strand). VCF-style: chr1-110673432-C-T. GRCh37 (hg19) VCF-style: chr1-111216054-C-T.
Other names: short protein forms V460M.
Identifiers: ClinVar variation 2500324 (VCV002500324.2), dbSNP rs2524761275, ClinGen allele CA341808110.

ClinVar aggregate classification (germline): Likely pathogenic (1 of 4 stars; one submission).

Conditions:
KCNA3-associated developmental and epileptic encephalopathy.

Submission:

Institute of Human Genetics, University of Leipzig Medical Center
Classification: Likely pathogenic for KCNA3-associated developmental and epileptic encephalopathy. Last evaluated: 2023-02-14. Review status: criteria provided, single submitter. Criteria: ACMG Guidelines, 2015. Collection method: research. Allele origin: de novo. Inheritance: Autosomal dominant inheritance. Affected: yes. Observed: 1 variant allele.
Comment: This variant was identified as de novo (maternity and paternity confirmed). Criteria applied: PS3, PS2_MOD, PM2_SUP, PP3

Literature cited by the submitters: PubMed 37964487.